The following is an entry in ClinVar:

ClinVar aggregate classification (germline): Uncertain significance (1 of 4 stars; one submission).

Conditions:
Episodic ataxia type 2 (EA2). Also called: ACETAZOLAMIDE-RESPONSIVE HEREDITARY PAROXYSMAL CEREBELLAR ATAXIA; ATAXIA, EPISODIC, WITH NYSTAGMUS; ATAXIA, FAMILIAL PAROXYSMAL; CEREBELLAR ATAXIA, PAROXYSMAL, ACETAZOLAMIDE-RESPONSIVE; CEREBELLOPATHY, HEREDITARY PAROXYSMAL; EPISODIC ATAXIA, NYSTAGMUS-ASSOCIATED. Identifiers: Orphanet 97, MedGen C1720416, MONDO:0007163, OMIM 108500.
Developmental and epileptic encephalopathy, 42 (DEE42A). Also called: Epileptic encephalopathy, early infantile, 42; DEVELOPMENTAL AND EPILEPTIC ENCEPHALOPATHY 42A; EPILEPTIC ENCEPHALOPATHY, EARLY INFANTILE, 42A. Identifiers: MedGen C4310716, MONDO:0014917, OMIM 617106.

gnomAD v4.1: 1 of 1,613,854 alleles (0.000062%); highest among the groups gnomAD compares: Non-Finnish European, 0.000085%; no homozygotes.

Submission:

Labcorp Genetics (formerly Invitae), Labcorp
Classification: Uncertain significance for Developmental and epileptic encephalopathy, 42; Episodic ataxia type 2. Last evaluated: 2025-09-10. Review status: criteria provided, single submitter. Criteria: Invitae Variant Classification Sherloc (09022015). Collection method: clinical testing. Allele origin: germline.
Comment: This sequence change replaces asparagine, which is neutral and polar, with lysine, which is basic and polar, at codon 167 of the CACNA1A protein (p.Asn167Lys). This variant is not present in population databases (gnomAD no frequency). This variant has not been reported in the literature in individuals affected with CACNA1A-related conditions. Invitae Evidence Modeling of protein sequence and biophysical properties (such as structural, functional, and spatial information, amino acid conservation, physicochemical variation, residue mobility, and thermodynamic stability) has been performed for this missense variant. However, the output from this modeling did not meet the statistical confidence thresholds required to predict the impact of this variant on CACNA1A protein function. In summary, the available evidence is currently insufficient to determine the role of this variant in disease. Therefore, it has been classified as a Variant of Uncertain Significance.

NM_001127222.2(CACNA1A):c.501T>G (p.Asn167Lys)

Gene: CACNA1A (calcium voltage-gated channel subunit alpha1 A; minus strand). Cytogenetic location: 19p13.13.
Variant type: single nucleotide variant.
Coding change: c.501T>G on transcript NM_001127222.2 (MANE Select); coding-DNA position 501, T replaced by G.
Protein change: p.Asn167Lys; replaces asparagine 167 with lysine.
Molecular consequence: missense variant.
Genome position (GRCh38, 1-based): chr19:13,452,914, A>C on the plus strand (T>G on the coding strand, the complement: CACNA1A is on the minus strand). VCF-style: chr19-13452914-A-C. GRCh37 (hg19) VCF-style: chr19-13563728-A-C.
Other names: c.501T>G, p.Asn167Lys (NM_001174080.2, NM_023035.3, NM_000068.4 and 1 more transcripts); short protein forms N167K.
Identifiers: ClinVar variation 4789961 (VCV004789961.1).